The following is an entry in ClinVar:

ClinVar aggregate classification (germline): Likely benign. Review status: criteria provided, multiple submitters, no conflicts (2 of 4 stars). 2 submissions from 2 submitters: Likely benign (2). Last evaluated 2025-12-01.

Conditions:
Hereditary cancer-predisposing syndrome. Also called: Hereditary neoplastic syndrome; Neoplastic Syndromes, Hereditary; Tumor predisposition; Hereditary Cancer Syndrome. Identifiers: Orphanet 140162, MedGen C0027672, MeSH D009386, MONDO:0015356.

Submissions (2):

CeGaT Center for Human Genetics Tuebingen
Classification: Likely benign. Last evaluated: 2025-12-01. Review status: criteria provided, single submitter. Criteria: CeGaT Center For Human Genetics Tuebingen Variant Classification Criteria Version 2. Collection method: clinical testing. Allele origin: germline. Affected: yes. Observed: 1 variant allele.
Comment: RET: PM2:Supporting, BP4, BP7

Ambry Genetics
Classification: Likely benign for Hereditary cancer-predisposing syndrome. Last evaluated: 2020-03-16. Review status: criteria provided, single submitter. Criteria: Ambry Variant Classification Scheme 2023. Collection method: clinical testing. Allele origin: germline.

NM_020975.6(RET):c.2622C>T (p.Asp874=)

Gene: RET (ret proto-oncogene; plus strand). Cytogenetic location: 10q11.21.
Variant type: single nucleotide variant.
Coding change: c.2622C>T on transcript NM_020975.6 (MANE Select); coding-DNA position 2622, C replaced by T.
Protein change: p.Asp874=; no amino-acid change (aspartic acid 874 retained).
Molecular consequence: synonymous variant.
Genome position (GRCh38, 1-based): chr10:43,120,095, C>T. VCF-style: chr10-43120095-C-T. GRCh37 (hg19) VCF-style: chr10-43615543-C-T.
Other names: c.2622C>T, p.Asp874= (NM_000323.2, NM_001406743.1, NM_001406744.1 and 4 more transcripts); c.1860C>T, p.Asp620= (NM_001355216.2); c.2493C>T, p.Asp831= (NM_001406761.1, NM_001406762.1, NM_001406764.1); c.2487C>T, p.Asp829= (NM_001406763.1, NM_001406765.1); c.2334C>T, p.Asp778= (NM_001406766.1, NM_001406767.1, NM_001406770.1); c.2358C>T, p.Asp786= (NM_001406768.1); c.2226C>T, p.Asp742= (NM_001406769.1, NM_001406772.1); c.2184C>T, p.Asp728= (NM_001406771.1, NM_001406773.1); and 10 more.
Identifiers: ClinVar variation 1793969 (VCV001793969.7), dbSNP rs2538575921, ClinGen allele CA376557017.
Genomic context (GRCh38, chr10:43,120,095, plus strand): 5'-TGCTGCCTGGCCATGGCCTGACGACTCGTGCTATTTTTCCTCACAGCTCGTTCATCGGGA[C>T]TTGGCAGCCAGAAACATCCTGGTAGCTGAGGGGCGGAAGATGAAGATTTCGGATTTCGGC-3'
Protein context (NP_066124.1, residues 864-884): YLAEMKLVHR[Asp874=]LAARNILVAE